The following is an entry in ClinVar:

NM_004174.4(SLC9A3):c.71G>A (p.Arg24Gln)

Gene: SLC9A3 (solute carrier family 9 member A3). Cytogenetic location: 5p15.33.
Variant type: single nucleotide variant.
Coding change: c.71G>A on transcript NM_004174.4 (MANE Select); coding-DNA position 71, G replaced by A.
Protein change: p.Arg24Gln; replaces arginine 24 with glutamine.
Molecular consequence: missense variant.
Genome position (GRCh38, 1-based): chr5:524,252, C>T on the plus strand (G>A on the coding strand, the complement: SLC9A3 is on the minus strand). VCF-style: chr5-524252-C-T. GRCh37 (hg19) VCF-style: chr5-524367-C-T.
Other names: c.71G>A, p.Arg24Gln (NM_001284351.3); short protein forms R24Q.
Identifiers: ClinVar variation 1437502 (VCV001437502.4), dbSNP rs1212776156, ClinGen allele CA359018595.

ClinVar aggregate classification (germline): Uncertain significance (1 of 4 stars; one submission).

Allele frequency attached by ClinVar (database versions not stated): gnomAD 0.00001.
gnomAD v4.1: 36 of 1,428,134 alleles (0.0025%); highest among the groups gnomAD compares: African/African-American, 0.0045%; no homozygotes.

Submission:

Labcorp Genetics (formerly Invitae), Labcorp
Classification: Uncertain significance. Last evaluated: 2024-01-08. Review status: criteria provided, single submitter. Criteria: Invitae Variant Classification Sherloc (09022015). Collection method: clinical testing. Allele origin: germline.
Comment: This sequence change replaces arginine with glutamine at codon 24 of the SLC9A3 protein (p.Arg24Gln). The arginine residue is weakly conserved and there is a small physicochemical difference between arginine and glutamine. This variant is present in population databases (no rsID available, gnomAD 0.007%). This variant has not been reported in the literature in individuals affected with SLC9A3-related conditions. ClinVar contains an entry for this variant (Variation ID: 1437502). Algorithms developed to predict the effect of missense changes on protein structure and function output the following: SIFT: "Not Available"; PolyPhen-2: "Not Available"; Align-GVGD: "Not Available". The glutamine amino acid residue is found in multiple mammalian species, which suggests that this missense change does not adversely affect protein function. In summary, the available evidence is currently insufficient to determine the role of this variant in disease. Therefore, it has been classified as a Variant of Uncertain Significance.